The following is an entry in ClinVar:

ClinVar aggregate classification (germline): Uncertain significance. Review status: criteria provided, multiple submitters, no conflicts (2 of 4 stars). 4 submissions from 4 submitters: Uncertain significance (2). 2 of the submissions do not count toward it. Last evaluated 2024-08-14.

Conditions:
PMS1-related breast cancer.

Allele frequency attached by ClinVar (database versions not stated): gnomAD 0.00008 and 0.00009; gnomAD exomes 0.00008 and 0.00015; ExAC 0.00011; TOPMed 0.00012; ESP Exome Variant Server 0.00015.
gnomAD v4.1: 137 of 1,604,000 alleles (0.0085%); highest among the groups gnomAD compares: Admixed American, 0.015%; no homozygotes.

Submissions (4):

Blueprint Genetics
Classification: Uncertain significance. Last evaluated: 2024-08-14. Review status: criteria provided, single submitter. Criteria: ACMG Guidelines, 2015. Collection method: clinical testing. Allele origin: germline.

Baylor Genetics
Classification: Uncertain significance for PMS1-related breast cancer. Last evaluated: 2023-09-28. Review status: criteria provided, single submitter. Criteria: ACMG Guidelines, 2015. Collection method: clinical testing. Allele origin: unknown.

ITMI
No classification provided. Condition: AllHighlyPenetrant. Last evaluated: 2013-09-19. Review status: no classification provided. Collection method: reference population. Allele origin: germline. Not counted in ClinVar's aggregate classification.
Comment: Please see associated publication for description of ethnicities

Department of Pathology and Laboratory Medicine, Sinai Health System
Classification: Uncertain significance. Review status: no assertion criteria provided. Collection method: clinical testing. Allele origin: unknown. Affected: yes. Study: The Canadian Open Genetics Repository (COGR). Not counted in ClinVar's aggregate classification.
Comment: The variant was identified in dbSNP (ID: rs139932286) and ClinVar (submitted by ITMI, classification not provided). The variant was identified in control databases in 38 of 266820 chromosomes at a frequency of 0.0001424 (Genome Aggregation Database March 6, 2019, v2.1.1, non-cancer). The variant was observed in the following populations: Ashkenazi Jewish in 22 of 9822 chromosomes (freq: 0.00224), Latino in 5 of 35036 chromosomes (freq: 0.000143), South Asian in 3 of 30488 chromosomes (freq: 0.000098) and European (non-Finnish) in 8 of 117296 chromosomes (freq: 0.000068), but was not observed in the African, East Asian, European (Finnish), or Other populations. The c.1888C>T variant leads to a premature stop codon at position 630 which is predicted to lead to a truncated or absent protein and loss of function. However, the role of loss of function PMS1 variants in disease is not currently well established. The variant occurs outside of the splicing consensus sequence and in silico or computational prediction software programs (SpliceSiteFinder, MaxEntScan, NNSPLICE, GeneSplicer) do not predict a difference in splicing. In summary, based on the above information the clinical significance of this variant cannot be determined with certainty at this time. This variant is classified as a variant of uncertain significance.

Literature cited by the submitters: PubMed 24728327 (cited by ITMI).

NM_000534.5(PMS1):c.1888C>T (p.Arg630Ter)

Gene: PMS1 (PMS1 homolog 1, mismatch repair system component; plus strand). Cytogenetic location: 2q32.2.
Variant type: single nucleotide variant.
Coding change: c.1888C>T on transcript NM_000534.5 (MANE Select); coding-DNA position 1888, C replaced by T.
Protein change: p.Arg630Ter; replaces arginine 630 with a stop codon.
Molecular consequence: nonsense. On other transcripts: non-coding transcript variant (1), intron variant (2).
Genome position (GRCh38, 1-based): chr2:189,863,774, C>T. VCF-style: chr2-189863774-C-T. GRCh37 (hg19) VCF-style: chr2-190728500-C-T.
Other names: c.1771C>T, p.Arg591Ter (NM_001128143.2); c.1360C>T, p.Arg454Ter (NM_001289408.2, NM_001289409.2); c.1888C>T, p.Arg630Ter (NM_001321045.2, NM_001321047.2, NM_001321048.2); c.1705C>T, p.Arg569Ter (NM_001321046.2); c.1857-4025C>T (NM_001128144.2); c.1740-4025C>T (NM_001321044.2); short protein forms R630*, R454*, R569*, R591*.
Identifiers: ClinVar variation 135059 (VCV000135059.4), dbSNP rs139932286, ClinGen allele CA161549.